The following is an entry in ClinVar:

NM_198586.3(NHLRC1):c.969C>T (p.Ser323=)

Gene: NHLRC1 (NHL repeat containing E3 ubiquitin protein ligase 1; minus strand). Cytogenetic location: 6p22.3.
Variant type: single nucleotide variant.
Coding change: c.969C>T on transcript NM_198586.3 (MANE Select); coding-DNA position 969, C replaced by T.
Protein change: p.Ser323=; no amino-acid change (serine 323 retained).
Molecular consequence: synonymous variant.
Genome position (GRCh38, 1-based): chr6:18,121,638, G>A on the plus strand (C>T on the coding strand, the complement: NHLRC1 is on the minus strand). VCF-style: chr6-18121638-G-A. GRCh37 (hg19) VCF-style: chr6-18121869-G-A.
Other names: p.S323S:TCC>TCT; p.Ser323=.
Identifiers: ClinVar variation 206179 (VCV000206179.44), dbSNP rs142941035, ClinGen allele CA316014.

ClinVar aggregate classification (germline): Conflicting classifications of pathogenicity. Review status: criteria provided, conflicting classifications (1 of 4 stars). 7 submissions from 7 submitters: Uncertain significance (1); Benign (2); Likely benign (4). Last evaluated 2026-01-09.

Conditions:
Inborn genetic diseases. Identifiers: MedGen C0950123, MeSH D030342.
Lafora disease. Also called: Epilepsy progressive myoclonic 2; Progressive Myoclonus Epilepsy, Lafora Type. Identifiers: Orphanet 501, MedGen C0751783, MONDO:0009697.

Allele frequency attached by ClinVar (database versions not stated): gnomAD 0.00022; TOPMed 0.00029; 1000 Genomes Project 30x 0.00031; 1000 Genomes Project 0.00040; ExAC 0.00050; ESP Exome Variant Server 0.00054.

Submissions (7):

Labcorp Genetics (formerly Invitae), Labcorp
Classification: Benign for Lafora disease. Last evaluated: 2026-01-09. Review status: criteria provided, single submitter. Criteria: Invitae Variant Classification Sherloc (09022015). Collection method: clinical testing. Allele origin: germline.

Mayo Clinic Laboratories, Mayo Clinic
Classification: Likely benign. Last evaluated: 2025-07-15. Review status: criteria provided, single submitter. Criteria: ACMG Guidelines, 2015. Collection method: clinical testing. Allele origin: germline. Observed: 2 variant alleles.
Comment: BP4, BP7

Blueprint Genetics
Classification: Likely benign. Last evaluated: 2024-11-22. Review status: criteria provided, single submitter. Criteria: ACMG Guidelines, 2015. Collection method: clinical testing. Allele origin: germline.

CeGaT Center for Human Genetics Tuebingen
Classification: Likely benign. Last evaluated: 2023-10-01. Review status: criteria provided, single submitter. Criteria: CeGaT Center For Human Genetics Tuebingen Variant Classification Criteria Version 2. Collection method: clinical testing. Allele origin: germline. Affected: yes. Observed: 2 variant alleles.
Comment: NHLRC1: BP4, BP7

Illumina Laboratory Services, Illumina
Classification: Uncertain significance for Myoclonic epilepsy of Lafora 1. Last evaluated: 2018-01-13. Review status: criteria provided, single submitter. Criteria: ICSL Variant Classification Criteria 13 December 2019. Collection method: clinical testing. Allele origin: germline.

Ambry Genetics
Classification: Likely benign for Inborn genetic diseases. Last evaluated: 2017-11-29. Review status: criteria provided, single submitter. Criteria: Ambry Variant Classification Scheme 2023. Collection method: clinical testing. Allele origin: germline.

GeneDx
Classification: Benign. Last evaluated: 2015-01-07. Review status: criteria provided, single submitter. Criteria: GeneDx Variant Classification (06012015). Collection method: clinical testing. Allele origin: germline. Affected: yes.
Comment: This variant is considered likely benign or benign based on one or more of the following criteria: it is a conservative change, it occurs at a poorly conserved position in the protein, it is predicted to be benign by multiple in silico algorithms, and/or has population frequency not consistent with disease.